The following is an entry in ClinVar:

NM_001165963.4(SCN1A):c.2648T>C (p.Ile883Thr)

Gene: SCN1A (sodium voltage-gated channel alpha subunit 1; minus strand). Cytogenetic location: 2q24.3.
Variant type: single nucleotide variant.
Coding change: c.2648T>C on transcript NM_001165963.4 (MANE Select); coding-DNA position 2648, T replaced by C.
Protein change: p.Ile883Thr; replaces isoleucine 883 with threonine.
Molecular consequence: missense variant. On other transcripts: non-coding transcript variant (1).
Genome position (GRCh38, 1-based): chr2:166,038,074, A>G on the plus strand (T>C on the coding strand, the complement: SCN1A is on the minus strand). VCF-style: chr2-166038074-A-G. GRCh37 (hg19) VCF-style: chr2-166894584-A-G.
Other names: c.2564T>C, p.Ile855Thr (NM_001165964.3, NM_001353957.2, NM_001353958.2); c.2648T>C, p.Ile883Thr (NM_001202435.3, NM_001353948.2); c.2615T>C, p.Ile872Thr (NM_001353949.2, NM_001353950.2, NM_001353951.2 and 2 more transcripts); c.2612T>C, p.Ile871Thr (NM_001353954.2, NM_001353955.2); c.2561T>C, p.Ile854Thr (NM_001353960.2); c.206T>C, p.Ile69Thr (NM_001353961.2); c.2648T>C (NM_001165963.3); short protein forms I69T, I854T, I855T, I871T, I872T, I883T.
Identifiers: ClinVar variation 1172559 (VCV001172559.4), dbSNP rs2105808409, ClinGen allele CA349061672.

ClinVar aggregate classification (germline): Conflicting classifications of pathogenicity. Review status: criteria provided, conflicting classifications (1 of 4 stars). 2 submissions from 2 submitters: Pathogenic (1); Uncertain significance (1). Last evaluated 2021-05-26.

Conditions:
Generalized epilepsy with febrile seizures plus, type 2 (GEFSP2). Also called: GEFS+, TYPE 2. Identifiers: Orphanet 36387, MedGen C1858673, MONDO:0011461, OMIM 604403.

Submissions (2):

HudsonAlpha Institute for Biotechnology
Classification: Pathogenic for Generalized epilepsy with febrile seizures plus, type 2. Last evaluated: 2021-05-26. Review status: criteria provided, single submitter. Criteria: ACMG Guidelines, 2015. Collection method: research. Allele origin: de novo. Affected: yes. Observed: 1 variant allele. Study: CSER-SouthSeq.
Comment: ACMG codes:PS2; PM1; PM2; PP2; PP3

Revvity Omics, Revvity
Classification: Uncertain significance. Last evaluated: 2021-04-19. Review status: criteria provided, single submitter. Criteria: ACMG Guidelines, 2015. Collection method: clinical testing. Allele origin: germline.